The following is an entry in ClinVar:

ClinVar aggregate classification (germline): Pathogenic (1 of 4 stars; one submission).

Conditions:
Fanconi anemia complementation group A (FANCA). Also called: Fanconi anemia, group A; FANCA-Related Fanconi Anemia. Identifiers: Orphanet 84, MedGen C3469521, MONDO:0009215, OMIM 227650.

Submission:

Myriad Genetics, Inc.
Classification: Pathogenic for Fanconi anemia complementation group A. Last evaluated: 2023-09-27. Review status: criteria provided, single submitter. Criteria: Myriad Autosomal Dominant, Autosomal Recessive and X-Linked Classification Criteria (2023). Collection method: clinical testing. Allele origin: unknown.
Comment: NM_000135.2(FANCA):c.27dupC(A10Rfs*27) is expected to be pathogenic in the context of Fanconi anemia complementation group A. This variant is predicted to lead to an abnormal or absent protein product due to the creation of a premature termination codon in FANCA, a gene where loss-of-function variants are known to be pathogenic. Please note: this variant was assessed in the context of healthy population screening.

NM_000135.4(FANCA):c.27dup (p.Ala10fs)

Genes: FANCA (FA complementation group A; minus strand), LOC112486223 (Sharpr-MPRA regulatory region 3988; plus strand). Cytogenetic location: 16q24.3.
Variant type: Duplication.
Coding change: c.27dup on transcript NM_000135.4 (MANE Select); coding-DNA position 27, one base duplicated (C; older notation c.27dupC).
Protein change: p.Ala10fs; shifts the reading frame from alanine 10.
Molecular consequence: frameshift variant.
Genome position (GRCh38, 1-based): chr16:89,816,589, G duplicated on the plus strand (C on the coding strand, the reverse complement: FANCA is on the minus strand); the first of 2 consecutive G bases (chr16:89,816,589-89,816,590); duplicating either gives the same sequence. VCF-style (leftmost placement, unchanged base first): chr16-89816588-C-CG. GRCh37 (hg19) VCF-style: chr16-89882996-C-CG.
Other names: c.27dup, p.Ala10fs (NM_001018112.3, NM_001286167.3, NM_001351830.2); short protein forms A10fs.
Identifiers: ClinVar variation 5012046 (VCV005012046.1).